The following is an entry in ClinVar:

ClinVar aggregate classification (germline): Uncertain significance (1 of 4 stars; one submission).

Conditions:
Inborn genetic diseases. Identifiers: MedGen C0950123, MeSH D030342.

Submission:

Ambry Genetics
Classification: Uncertain significance for Inborn genetic diseases. Last evaluated: 2026-08-30. Review status: criteria provided, single submitter. Criteria: Ambry Variant Classification Scheme 2023. Collection method: clinical testing. Allele origin: germline.
Comment: The p.S1364R variant (also known as c.4090A>C), located in coding exon 14 of the FANCM gene, results from an A to C substitution at nucleotide position 4090. The serine at codon 1364 is replaced by arginine, an amino acid with dissimilar properties. This amino acid position is conserved. In addition, this alteration is predicted to be tolerated by in silico analysis. Based on the available evidence, the clinical significance of this variant remains unclear.

NM_020937.4(FANCM):c.4090A>C (p.Ser1364Arg)

Gene: FANCM (FA complementation group M; plus strand). Cytogenetic location: 14q21.2.
Variant type: single nucleotide variant.
Coding change: c.4090A>C on transcript NM_020937.4 (MANE Select); coding-DNA position 4090, A replaced by C.
Protein change: p.Ser1364Arg; replaces serine 1364 with arginine.
Molecular consequence: missense variant.
Genome position (GRCh38, 1-based): chr14:45,176,844, A>C. VCF-style: chr14-45176844-A-C. GRCh37 (hg19) VCF-style: chr14-45646047-A-C.
Other names: c.4012A>C, p.Ser1338Arg (NM_001308133.2); short protein forms S1338R, S1364R.
Identifiers: ClinVar variation 5021529 (VCV005021529.1).